The following is an entry in ClinVar:

ClinVar aggregate classification (germline): Uncertain significance. Review status: criteria provided, single submitter (1 of 4 stars). 2 submissions from 2 submitters: Uncertain significance (1). 1 of the submissions does not count toward it. Last evaluated 2021-11-20.

Conditions:
Alstrom syndrome (ALMS). Identifiers: Orphanet 64, MedGen C0268425, MONDO:0008763, OMIM 203800.

Allele frequency attached by ClinVar (database versions not stated): TOPMed 0.00001.
gnomAD v4.1: 4 of 1,614,054 alleles (0.00025%); highest among the groups gnomAD compares: Non-Finnish European, 0.00025%; no homozygotes.

Submissions (2):

Labcorp Genetics (formerly Invitae), Labcorp
Classification: Uncertain significance for Alstrom syndrome. Last evaluated: 2021-11-20. Review status: criteria provided, single submitter. Criteria: Invitae Variant Classification Sherloc (09022015). Collection method: clinical testing. Allele origin: germline.
Comment: This sequence change replaces aspartic acid, which is acidic and polar, with glycine, which is neutral and non-polar, at codon 1958 of the ALMS1 protein (p.Asp1958Gly). This variant is not present in population databases (gnomAD no frequency). This variant has not been reported in the literature in individuals affected with ALMS1-related conditions. ClinVar contains an entry for this variant (Variation ID: 550235). Experimental studies and prediction algorithms are not available or were not evaluated, and the functional significance of this variant is currently unknown. In summary, the available evidence is currently insufficient to determine the role of this variant in disease. Therefore, it has been classified as a Variant of Uncertain Significance.

Counsyl
Classification: Uncertain significance for Alstrom syndrome. Last evaluated: 2016-12-23. Review status: no assertion criteria provided. Collection method: clinical testing. Allele origin: unknown. Not counted in ClinVar's aggregate classification.

NM_001378454.1(ALMS1):c.5870A>G (p.Asp1957Gly)

Gene: ALMS1 (ALMS1 centrosome and basal body associated protein; plus strand). Cytogenetic location: 2p13.1.
Variant type: single nucleotide variant.
Coding change: c.5870A>G on transcript NM_001378454.1 (MANE Select); coding-DNA position 5870, A replaced by G.
Protein change: p.Asp1957Gly; replaces aspartic acid 1957 with glycine.
Molecular consequence: missense variant.
Genome position (GRCh38, 1-based): chr2:73,452,397, A>G. VCF-style: chr2-73452397-A-G. GRCh37 (hg19) VCF-style: chr2-73679524-A-G.
Other names: c.5873A>G, p.Asp1958Gly (NM_015120.4); short protein forms D1958G, D1957G.
Identifiers: ClinVar variation 550235 (VCV000550235.5), dbSNP rs1464393698, ClinGen allele CA347283681.